The following is an entry in ClinVar:

ClinVar aggregate classification (germline): Likely pathogenic (1 of 4 stars; one submission).

Conditions:
Niemann-Pick disease, type C1. Also called: NIEMANN-PICK DISEASE, VARIANT TYPE C1; NEUROVISCERAL STORAGE DISEASE WITH VERTICAL SUPRANUCLEAR OPHTHALMOPLEGIA; NIEMANN-PICK DISEASE WITH CHOLESTEROL ESTERIFICATION BLOCK; NIEMANN-PICK DISEASE WITHOUT SPHINGOMYELINASE DEFICIENCY; NIEMANN-PICK DISEASE, CHRONIC NEURONOPATHIC FORM. Identifiers: Orphanet 646, MedGen C3179455, MONDO:0009757, OMIM 257220.

Allele frequency attached by ClinVar (database versions not stated): gnomAD exomes below 0.00001.
gnomAD v4.1: 1 of 1,614,194 alleles (0.000062%); highest among the groups gnomAD compares: African/African-American, 0.0013%; no homozygotes.

Submission:

Labcorp Genetics (formerly Invitae), Labcorp
Classification: Likely pathogenic for Niemann-Pick disease, type C1. Last evaluated: 2022-10-29. Review status: criteria provided, single submitter. Criteria: Invitae Variant Classification Sherloc (09022015). Collection method: clinical testing. Allele origin: germline.
Comment: This variant has not been reported in the literature in individuals affected with NPC1-related conditions. This variant is not present in population databases (gnomAD no frequency). This sequence change replaces alanine, which is neutral and non-polar, with serine, which is neutral and polar, at codon 764 of the NPC1 protein (p.Ala764Ser). Advanced modeling of protein sequence and biophysical properties (such as structural, functional, and spatial information, amino acid conservation, physicochemical variation, residue mobility, and thermodynamic stability) performed at Invitae indicates that this missense variant is expected to disrupt NPC1 protein function. In summary, the currently available evidence indicates that the variant is pathogenic, but additional data are needed to prove that conclusively. Therefore, this variant has been classified as Likely Pathogenic. This variant disrupts the p.Ala764 amino acid residue in NPC1. Other variant(s) that disrupt this residue have been determined to be pathogenic (PMID: 24676439, 26790753, 26910362; Invitae). This suggests that this residue is clinically significant, and that variants that disrupt this residue are likely to be disease-causing.

Literature cited by the submitters: PubMed 24676439; PubMed 26790753; PubMed 26910362.

NM_000271.5(NPC1):c.2290G>T (p.Ala764Ser)

Gene: NPC1 (NPC intracellular cholesterol transporter 1; minus strand). Cytogenetic location: 18q11.2.
Variant type: single nucleotide variant.
Coding change: c.2290G>T on transcript NM_000271.5 (MANE Select); coding-DNA position 2290, G replaced by T.
Protein change: p.Ala764Ser; replaces alanine 764 with serine.
Molecular consequence: missense variant.
Genome position (GRCh38, 1-based): chr18:23,541,389, C>A on the plus strand (G>T on the coding strand, the complement: NPC1 is on the minus strand). VCF-style: chr18-23541389-C-A. GRCh37 (hg19) VCF-style: chr18-21121353-C-A.
Other names: short protein forms A764S.
Identifiers: ClinVar variation 2810642 (VCV002810642.3), dbSNP rs2511222745, ClinGen allele CA401793757.